The following is an entry in ClinVar:

ClinVar aggregate classification (germline): Uncertain significance (1 of 4 stars; one submission).

Conditions:
Primary ciliary dyskinesia. Also called: Ciliary dyskinesia. Identifiers: Orphanet 244, MedGen C0008780, MONDO:0016575, HP:0012265.

Submission:

Labcorp Genetics (formerly Invitae), Labcorp
Classification: Uncertain significance for Primary ciliary dyskinesia. Last evaluated: 2022-07-14. Review status: criteria provided, single submitter. Criteria: Invitae Variant Classification Sherloc (09022015). Collection method: clinical testing. Allele origin: germline.
Comment: In summary, the available evidence is currently insufficient to determine the role of this variant in disease. Therefore, it has been classified as a Variant of Uncertain Significance. This variant has not been reported in the literature in individuals affected with RPGR (ORF15)-related conditions. The frequency data for this variant in the population databases is considered unreliable, as metrics indicate insufficient coverage at this position in the gnomAD database. This variant, c.2820_2821insAGGGAGGATGGAGAAGGGGAA, results in the insertion of 7 amino acid(s) of the RPGR (ORF15) protein (p.Glu940_Gly941insArgGluAspGlyGluGlyGlu), but otherwise preserves the integrity of the reading frame.

NM_001034853.2(RPGR):c.2820_2821insAGGGAGGATGGAGAAGGGGAA (p.Glu940_Gly941insArgGluAspGlyGluGlyGlu)

Gene: RPGR (retinitis pigmentosa GTPase regulator; minus strand). Cytogenetic location: Xp11.4.
Variant type: Insertion.
Coding change: c.2820_2821insAGGGAGGATGGAGAAGGGGAA on transcript NM_001034853.2 (MANE Select); coding-DNA positions 2820 to 2821, AGGGAGGATGGAGAAGGGGAA inserted.
Protein change: p.Glu940_Gly941insArgGluAspGlyGluGlyGlu.
Molecular consequence: inframe insertion. On other transcripts: intron variant (8).
Genome position: GRCh38 VCF-style: chrX-38286178-C-CTTCCCCTTCTCCATCCTCCCT. GRCh37 (hg19) VCF-style: chrX-38145431-C-CTTCCCCTTCTCCATCCTCCCT.
Other names: c.1569+4780_1569+4781insGGAGAAGGGGAAAGGGAGGAT (NM_001367249.1, NM_001367250.1); c.1902+915_1902+916insGGAGAAGGGGAAAGGGAGGAT (NM_001367245.1); c.1386+4780_1386+4781insGGAGAAGGGGAAAGGGAGGAT (NM_001367251.1); c.1719+915_1719+916insGGAGAAGGGGAAAGGGAGGAT (NM_001367246.1); c.1572+4780_1572+4781insGGAGAAGGGGAAAGGGAGGAT (NM_001367247.1); c.1905+915_1905+916insGGAGAAGGGGAAAGGGAGGAT (NM_000328.3); c.1602+4780_1602+4781insGGAGAAGGGGAAAGGGAGGAT (NM_001367248.1).
Identifiers: ClinVar variation 2062192 (VCV002062192.4), dbSNP rs2519786511, ClinGen allele CA2580100851.
Genomic context (GRCh38, chrX:38,286,178, plus strand): 5'-CCTCCTCTTCCCCCTCCCATTCTCCTTCCTCCTCTTCCCCCTCCCCTTCTCCATCCTCCC[C>CTTCCCCTTCTCCATCCTCCCT]TTCCCCTTCTCCTTCCTCCTCTTCCCCCTCCCCTTCTCCTTCCTCTCCTTCCTCCTCCCC-3'